The following is an entry in ClinVar:

ClinVar aggregate classification (germline): Uncertain significance (1 of 4 stars; one submission).

Conditions:
Generalized epilepsy with febrile seizures plus, type 12. Also called: GEFS+, TYPE 12. Identifiers: MedGen C5935592, MONDO:0958324, OMIM 620755.

Submission:

Victorian Clinical Genetics Services, Murdoch Childrens Research Institute
Classification: Uncertain significance for Generalized epilepsy with febrile seizures plus, type 12. Last evaluated: 2025-09-30. Review status: criteria provided, single submitter. Criteria: ACMG Guidelines, 2015. Collection method: clinical testing. Allele origin: germline. Affected: yes.
Comment: This variant is classified as VUS-3B. Evidence in support of pathogenic classification: Variant is absent from gnomAD (v2, v3 and v4); Missense variant predicted to be damaging by in silico tool(s) or highly conserved with a major amino acid change. Additional information: Variant is predicted to result in a missense amino acid change from cysteine to tyrosine; This variant is heterozygous; This gene is associated with autosomal dominant disease; This variant has no previous evidence of pathogenicity; No published segregation evidence has been identified for this variant; No published functional evidence has been identified for this variant; No comparable missense variants have previous evidence for pathogenicity; Variant is located in the annotated transmembrane amino acid transporter protein (DECIPHER); Loss of function is a known mechanism of disease in this gene and is associated with developmental and epileptic encephalopathy 114 (MIM#620774) and generalised epilepsy with febrile seizures plus, type 12 (MIM#620755).

NM_080552.3(SLC32A1):c.506G>A (p.Cys169Tyr)

Gene: SLC32A1 (solute carrier family 32 member 1; plus strand). Cytogenetic location: 20q11.23.
Variant type: single nucleotide variant.
Coding change: c.506G>A on transcript NM_080552.3 (MANE Select); coding-DNA position 506, G replaced by A.
Protein change: p.Cys169Tyr; replaces cysteine 169 with tyrosine.
Molecular consequence: missense variant.
Genome position (GRCh38, 1-based): chr20:38,727,567, G>A. VCF-style: chr20-38727567-G-A. GRCh37 (hg19) VCF-style: chr20-37356210-G-A.
Other names: short protein forms C169Y.
Identifiers: ClinVar variation 4531753 (VCV004531753.1).